The following is an entry in ClinVar:

NM_020297.4(ABCC9):c.1063G>T (p.Ala355Ser)

Gene: ABCC9 (ATP binding cassette subfamily C member 9; minus strand). Cytogenetic location: 12p12.1.
Variant type: single nucleotide variant.
Coding change: c.1063G>T on transcript NM_020297.4 (MANE Select); coding-DNA position 1063, G replaced by T.
Protein change: p.Ala355Ser; replaces alanine 355 with serine.
Molecular consequence: missense variant.
Genome position (GRCh38, 1-based): chr12:21,910,927, C>A on the plus strand (G>T on the coding strand, the complement: ABCC9 is on the minus strand). VCF-style: chr12-21910927-C-A. GRCh37 (hg19) VCF-style: chr12-22063861-C-A.
Other names: c.1063G>T, p.Ala355Ser (NM_001377273.1, NM_005691.4); c.199G>T, p.Ala67Ser (NM_001377274.1); c.1063G>T (NM_005691.3, NM_020297.3); short protein forms A355S, A67S.
Identifiers: ClinVar variation 45382 (VCV000045382.19), dbSNP rs145455570, ClinGen allele CA136194.

ClinVar aggregate classification (germline): Uncertain significance. Review status: criteria provided, multiple submitters, no conflicts (2 of 4 stars). 5 submissions from 5 submitters: Uncertain significance (5). Last evaluated 2026-06-17.

Conditions:
Dilated cardiomyopathy 1O (CMD1O). Also called: CARDIOMYOPATHY, DILATED, WITH VENTRICULAR TACHYCARDIA. Identifiers: Orphanet 154, MedGen C1837839, MONDO:0012062, OMIM 608569.
Hypertrichotic osteochondrodysplasia Cantu type. Also called: Cantú Syndrome; Cantu Syndrome. Identifiers: Orphanet 1517, MedGen C0795905, MONDO:0009406, OMIM 239850.
ABCC9-related disorder. Also called: ABCC9-related condition; ABCC9-related disorders.

Allele frequency attached by ClinVar (database versions not stated): ExAC 0.00003; gnomAD 0.00003; gnomAD exomes 0.00003; TOPMed 0.00004; ESP Exome Variant Server 0.00008.
gnomAD v4.1: 41 of 1,612,444 alleles (0.0025%); highest among the groups gnomAD compares: Admixed American, 0.0033%; no homozygotes.

Submissions (5):

Women's Health and Genetics/Laboratory Corporation of America, LabCorp
Classification: Uncertain significance. Last evaluated: 2026-06-17. Review status: criteria provided, single submitter. Criteria: LabCorp Variant Classification Summary - May 2015. Collection method: clinical testing. Allele origin: germline.
Comment: Variant summary: ABCC9 c.1063G>T (p.Ala355Ser) results in a conservative amino acid change located in the first transmembrane domain (IPR011527) of the encoded protein sequence. Algorithms developed to predict the effect of missense changes on protein structure and function are either unavailable or do not agree on the potential impact of this missense change. The variant allele was found at a frequency of 2.6e-05 in 1605456 control chromosomes (gnomAD). The observed variant frequency exceeds the estimated maximal expected allele frequency for disease-causing variants in ABCC9. On the other hand, the variant c.1063G>T, has been also observed in individuals affected with ABCC9-related conditions (e.g. Subbotina_2019, Pannone_2024). These reports do not provide unequivocal conclusions about association of the variant with disease. At least one publication reports experimental evidence evaluating an impact on protein function, finding that the variant results in increased channel current but has no effect on ATP sensitivity (Subbotina_2019), however these data do not allow convincing conclusions about the variant effect. The following publications have been ascertained in the context of this evaluation (PMID: 30878466, 38426305, 32622958). ClinVar contains an entry for this variant (Variation ID: 45382). Based on the evidence outlined above, the variant was classified as uncertain significance.

Labcorp Genetics (formerly Invitae), Labcorp
Classification: Uncertain significance for Dilated cardiomyopathy 1O. Last evaluated: 2026-02-03. Review status: criteria provided, single submitter. Criteria: Invitae Variant Classification Sherloc (09022015). Collection method: clinical testing. Allele origin: germline.
Comment: This sequence change replaces alanine, which is neutral and non-polar, with serine, which is neutral and polar, at codon 355 of the ABCC9 protein (p.Ala355Ser). This variant is present in population databases (rs145455570, gnomAD 0.006%). This missense change has been observed in individual(s) with ABCC9-related conditions (PMID: 30878466, 38426305). ClinVar contains an entry for this variant (Variation ID: 45382). Invitae Evidence Modeling of protein sequence and biophysical properties (such as structural, functional, and spatial information, amino acid conservation, physicochemical variation, residue mobility, and thermodynamic stability) has been performed for this missense variant. However, the output from this modeling did not meet the statistical confidence thresholds required to predict the impact of this variant on ABCC9 protein function. Experimental studies have shown that this missense change affects ABCC9 function (PMID: 30878466). In summary, the available evidence is currently insufficient to determine the role of this variant in disease. Therefore, it has been classified as a Variant of Uncertain Significance.

GeneDx
Classification: Uncertain significance. Last evaluated: 2025-12-02. Review status: criteria provided, single submitter. Criteria: GeneDx Variant Classification Process June 2021. Collection method: clinical testing. Allele origin: germline. Affected: yes.
Comment: Has been reported as a variant of uncertain significance in an individual with sudden unexplained death (PMID: 30878466); Published functional studies in HEK293 cells resulted in a larger mean patch current compared to WT but does not significantly affect unitary current, ATP sensitivity, or expression (PMID: 30878466); In silico analysis suggests that this missense variant does not alter protein structure/function; This variant is associated with the following publications: (PMID: 32622958, 30878466, 38426305)

PreventionGenetics, part of Exact Sciences
Classification: Uncertain significance for ABCC9-related condition. Last evaluated: 2024-11-08. Review status: criteria provided, single submitter. Criteria: ACMG Guidelines, 2015. Collection method: clinical testing. Allele origin: germline.
Comment: The ABCC9 c.1063G>T variant is predicted to result in the amino acid substitution p.Ala355Ser. This variant has been reported in an individual with sudden unexplained death (Subbotina et al. 2019. PubMed ID: 30878466). Functional studies in HEK-293 cells showed the p.Ala355Ser variant results in increased channel current but has no effect on protein expression and ATP sensitivity (Subbotina et al. 2019. PubMed ID: 30878466). This variant is reported in 0.0058% of alleles in individuals of Latino descent in gnomAD. At this time, the clinical significance of this variant is uncertain due to the absence of conclusive functional and genetic evidence.

Laboratory for Molecular Medicine, Mass General Brigham Personalized Medicine
Classification: Uncertain significance. Last evaluated: 2011-11-14. Review status: criteria provided, single submitter. Criteria: LMM Criteria. Collection method: clinical testing. Allele origin: germline. Observed: 4 variant alleles.
Comment: Variant classified as Uncertain Significance - Favor Pathogenic. The Ala355Ser v ariant is listed in dbSNP without frequency information (rs 145455570). Alanine (Ala) at position 355 is conserved in evolution, suggestin g that a change would not be tolerated. In addition, three computer tools (Align GVGD, Polyphen2, SIFT) predict this change to be deleterious; however, their acc uracy is unknown. The available information for this variant is so far consisten t with a pathogenic role but is insufficient to determine its clinical significa nce with certainty, particularly in light of its presence in the proband?s repor tedly unaffected mother.

Literature cited by the submitters: PubMed 30878466 (cited by Women's Health and Genetics/Laboratory Corporation of America, LabCorp and Labcorp Genetics (formerly Invitae), Labcorp); PubMed 38426305 (cited by Women's Health and Genetics/Laboratory Corporation of America, LabCorp and Labcorp Genetics (formerly Invitae), Labcorp); PubMed 32622958 (cited by Women's Health and Genetics/Laboratory Corporation of America, LabCorp).